The following is an entry in ClinVar:

ClinVar aggregate classification (germline): Benign/Likely benign. Review status: criteria provided, multiple submitters, no conflicts (2 of 4 stars). 6 submissions from 6 submitters: Benign (3); Likely benign (2). 1 of the submissions does not count toward it. Last evaluated 2026-05-05.

Conditions:
CNNM2-related disorder. Also called: CNNM2-related condition.
Renal hypomagnesemia 6. Identifiers: Orphanet 34527, MedGen C3151295, MONDO:0013480, OMIM 613882.

Allele frequency attached by ClinVar (database versions not stated): 1000 Genomes Project 0.00160; 1000 Genomes Project 30x 0.00187; gnomAD 0.00363 and 0.00404; ESP Exome Variant Server 0.00369; TOPMed 0.00373; gnomAD exomes 0.00378; ExAC 0.00438.
gnomAD v4.1: 8,950 of 1,612,554 alleles (0.56%); highest among the groups gnomAD compares: Non-Finnish European, 0.69%; 32 homozygotes.

Submissions (6):

Revvity Omics, Revvity
Classification: Benign. Last evaluated: 2026-05-05. Review status: criteria provided, single submitter. Criteria: ACMG Guidelines, 2015. Collection method: clinical testing. Allele origin: germline.

CeGaT Center for Human Genetics Tuebingen
Classification: Likely benign. Last evaluated: 2026-05-01. Review status: criteria provided, single submitter. Criteria: CeGaT Center For Human Genetics Tuebingen Variant Classification Criteria Version 2. Collection method: clinical testing. Allele origin: germline. Affected: yes. Observed: 18 variant alleles.
Comment: CNNM2: BP4, BP7, BS2

Labcorp Genetics (formerly Invitae), Labcorp
Classification: Benign. Last evaluated: 2026-02-04. Review status: criteria provided, single submitter. Criteria: Invitae Variant Classification Sherloc (09022015). Collection method: clinical testing. Allele origin: germline.

Blueprint Genetics
Classification: Likely benign. Last evaluated: 2024-11-27. Review status: criteria provided, single submitter. Criteria: ACMG Guidelines, 2015. Collection method: clinical testing. Allele origin: germline.

Illumina Laboratory Services, Illumina
Classification: Benign for Renal hypomagnesemia 6. Last evaluated: 2018-01-12. Review status: criteria provided, single submitter. Criteria: ICSL Variant Classification Criteria 13 December 2019. Collection method: clinical testing. Allele origin: germline.
Comment: This variant was observed in the ICSL laboratory as part of a predisposition screen in an ostensibly healthy population. It had not been previously curated by ICSL or reported in the Human Gene Mutation Database (HGMD: prior to June 1st, 2018), and was therefore a candidate for classification through an automated scoring system. Utilizing variant allele frequency, disease prevalence and penetrance estimates, and inheritance mode, an automated score was calculated to assess if this variant is too frequent to cause the disease. Based on the score and internal cut-off values, a variant classified as benign is not then subjected to further curation. The score for this variant resulted in a classification of benign for this disease.

PreventionGenetics, part of Exact Sciences
Classification: Likely benign for CNNM2-related condition. Last evaluated: 2019-05-01. Review status: no assertion criteria provided. Collection method: clinical testing. Allele origin: germline. Not counted in ClinVar's aggregate classification.
Comment: This variant is classified as likely benign based on ACMG/AMP sequence variant interpretation guidelines (Richards et al. 2015 PMID: 25741868, with internal and published modifications).

NM_017649.5(CNNM2):c.564C>T (p.Ser188=)

Gene: CNNM2 (cyclin and CBS domain divalent metal cation transport mediator 2; plus strand). Cytogenetic location: 10q24.32.
Variant type: single nucleotide variant.
Coding change: c.564C>T on transcript NM_017649.5 (MANE Select); coding-DNA position 564, C replaced by T.
Protein change: p.Ser188=; no amino-acid change (serine 188 retained).
Molecular consequence: synonymous variant.
Genome position (GRCh38, 1-based): chr10:102,919,044, C>T. VCF-style: chr10-102919044-C-T. GRCh37 (hg19) VCF-style: chr10-104678801-C-T.
Other names: c.564C>T, p.Ser188= (NM_199076.3, NM_199077.3).
Identifiers: ClinVar variation 298638 (VCV000298638.58), dbSNP rs117691462, ClinGen allele CA5670289.
Genomic context (GRCh38, chr10:102,919,044, plus strand): 5'-CACCTCGGGCATCATCGAGATCGAGATCAAACCGCTACGCAAGATGGAGAAGAGCAAGTC[C>T]TATTACCTGTGCACGTCGCTCTCCACGCCCGCCCTGGGCGCCGGCGGCTCGGGGTCCACG-3'
Protein context (NP_060119.3, residues 178-198): KPLRKMEKSK[Ser188=]YYLCTSLSTP